The following is an entry in ClinVar:

ClinVar aggregate classification (germline): Uncertain significance (0 of 4 stars; one submission).

Conditions:
CTNND2-related disorder. Also called: CTNND2-related condition.

Submission:

PreventionGenetics, part of Exact Sciences
Classification: Uncertain significance for CTNND2-related condition. Last evaluated: 2024-03-26. Review status: no assertion criteria provided. Collection method: clinical testing. Allele origin: germline.
Comment: The CTNND2 c.2355G>A variant is predicted to result in the amino acid substitution p.Met785Ile. To our knowledge, this variant has not been reported in the literature or in a large population database, indicating this variant is rare. At this time, the clinical significance of this variant is uncertain due to the absence of conclusive functional and genetic evidence.

NM_001332.4(CTNND2):c.2355G>A (p.Met785Ile)

Gene: CTNND2 (catenin delta 2; minus strand). Cytogenetic location: 5p15.2.
Variant type: single nucleotide variant.
Coding change: c.2355G>A on transcript NM_001332.4 (MANE Select); coding-DNA position 2355, G replaced by A.
Protein change: p.Met785Ile; replaces methionine 785 with isoleucine.
Molecular consequence: missense variant. On other transcripts: non-coding transcript variant (1).
Genome position (GRCh38, 1-based): chr5:11,110,966, C>T on the plus strand (G>A on the coding strand, the complement: CTNND2 is on the minus strand). VCF-style: chr5-11110966-C-T. GRCh37 (hg19) VCF-style: chr5-11111078-C-T.
Other names: c.2082G>A, p.Met694Ile (NM_001288715.1); c.1344G>A, p.Met448Ile (NM_001288716.1, NM_001364128.2); c.1056G>A, p.Met352Ile (NM_001288717.2); short protein forms M352I, M448I, M694I, M785I.
Identifiers: ClinVar variation 3348756 (VCV003348756.1).